The following is an entry in ClinVar:

NM_022095.4(ZNF335):c.800G>A (p.Arg267His)

Gene: ZNF335 (zinc finger protein 335; minus strand). Cytogenetic location: 20q13.12.
Variant type: single nucleotide variant.
Coding change: c.800G>A on transcript NM_022095.4 (MANE Select); coding-DNA position 800, G replaced by A.
Protein change: p.Arg267His; replaces arginine 267 with histidine.
Molecular consequence: missense variant.
Genome position (GRCh38, 1-based): chr20:45,967,748, C>T on the plus strand (G>A on the coding strand, the complement: ZNF335 is on the minus strand). VCF-style: chr20-45967748-C-T. GRCh37 (hg19) VCF-style: chr20-44596387-C-T.
Other names: short protein forms R267H.
Identifiers: ClinVar variation 2763691 (VCV002763691.3), dbSNP rs773799746, ClinGen allele CA9885979.

ClinVar aggregate classification (germline): Uncertain significance (1 of 4 stars; one submission).

Allele frequency attached by ClinVar (database versions not stated): TOPMed 0.00003; ExAC 0.00004; gnomAD 0.00005.
gnomAD v4.1: 60 of 1,610,652 alleles (0.0037%); highest among the groups gnomAD compares: Non-Finnish European, 0.004%; no homozygotes.

Submission:

Labcorp Genetics (formerly Invitae), Labcorp
Classification: Uncertain significance. Last evaluated: 2024-10-15. Review status: criteria provided, single submitter. Criteria: Invitae Variant Classification Sherloc (09022015). Collection method: clinical testing. Allele origin: germline.
Comment: This sequence change replaces arginine, which is basic and polar, with histidine, which is basic and polar, at codon 267 of the ZNF335 protein (p.Arg267His). This variant is present in population databases (rs773799746, gnomAD 0.02%). This variant has not been reported in the literature in individuals affected with ZNF335-related conditions. Invitae Evidence Modeling of protein sequence and biophysical properties (such as structural, functional, and spatial information, amino acid conservation, physicochemical variation, residue mobility, and thermodynamic stability) indicates that this missense variant is not expected to disrupt ZNF335 protein function with a negative predictive value of 80%. In summary, the available evidence is currently insufficient to determine the role of this variant in disease. Therefore, it has been classified as a Variant of Uncertain Significance.